The following is an entry in ClinVar:

ClinVar aggregate classification (germline): Uncertain significance. Review status: criteria provided, multiple submitters, no conflicts (2 of 4 stars). 3 submissions from 3 submitters: Uncertain significance (3). Last evaluated 2024-05-09.

Conditions:
Inborn genetic diseases. Identifiers: MedGen C0950123, MeSH D030342.

Allele frequency attached by ClinVar (database versions not stated): gnomAD 0.00005 and 0.00006; TOPMed 0.00008; ExAC 0.00011.

Submissions (3):

Blueprint Genetics
Classification: Uncertain significance. Last evaluated: 2024-05-09. Review status: criteria provided, single submitter. Criteria: ACMG Guidelines, 2015. Collection method: clinical testing. Allele origin: germline.

Ambry Genetics
Classification: Uncertain significance for Inborn genetic diseases. Last evaluated: 2022-07-13. Review status: criteria provided, single submitter. Criteria: Ambry Variant Classification Scheme 2023. Collection method: clinical testing. Allele origin: germline.

Labcorp Genetics (formerly Invitae), Labcorp
Classification: Uncertain significance. Last evaluated: 2022-07-11. Review status: criteria provided, single submitter. Criteria: Invitae Variant Classification Sherloc (09022015). Collection method: clinical testing. Allele origin: germline.
Comment: This sequence change replaces arginine, which is basic and polar, with tryptophan, which is neutral and slightly polar, at codon 261 of the TTLL5 protein (p.Arg261Trp). This variant is present in population databases (rs563243448, gnomAD 0.02%). This variant has not been reported in the literature in individuals affected with TTLL5-related conditions. ClinVar contains an entry for this variant (Variation ID: 1402652). Algorithms developed to predict the effect of missense changes on protein structure and function are either unavailable or do not agree on the potential impact of this missense change (SIFT: "Tolerated"; PolyPhen-2: "Possibly Damaging"; Align-GVGD: "Class C0"). In summary, the available evidence is currently insufficient to determine the role of this variant in disease. Therefore, it has been classified as a Variant of Uncertain Significance.

NM_015072.5(TTLL5):c.781C>T (p.Arg261Trp)

Gene: TTLL5 (tubulin tyrosine ligase like 5; plus strand). Cytogenetic location: 14q24.3.
Variant type: single nucleotide variant.
Coding change: c.781C>T on transcript NM_015072.5 (MANE Select); coding-DNA position 781, C replaced by T.
Protein change: p.Arg261Trp; replaces arginine 261 with tryptophan.
Molecular consequence: missense variant.
Genome position (GRCh38, 1-based): chr14:75,717,901, C>T. VCF-style: chr14-75717901-C-T. GRCh37 (hg19) VCF-style: chr14-76184244-C-T.
Other names: c.781C>T (NM_015072.4); short protein forms R261W.
Identifiers: ClinVar variation 1402652 (VCV001402652.9), dbSNP rs563243448, ClinGen allele CA7279105.